The following is an entry in ClinVar:

ClinVar aggregate classification (germline): Uncertain significance. Review status: criteria provided, single submitter (1 of 4 stars). 2 submissions from 2 submitters: Uncertain significance (1). 1 of the submissions does not count toward it. Last evaluated 2021-08-31.

Conditions:
Fanconi anemia (FA). Also called: Fanconi's anemia. Identifiers: Orphanet 84, MedGen C0015625, MeSH D005199, MONDO:0019391.
Fanconi anemia complementation group G. Also called: Fanconi anemia group G; FANCG-Related Fanconi Anemia. Identifiers: Orphanet 84, MedGen C3469527, MONDO:0013565, OMIM 614082.

Allele frequency attached by ClinVar (database versions not stated): gnomAD exomes 0.00001.

Submissions (2):

Labcorp Genetics (formerly Invitae), Labcorp
Classification: Uncertain significance for Fanconi anemia. Last evaluated: 2021-08-31. Review status: criteria provided, single submitter. Criteria: Invitae Variant Classification Sherloc (09022015). Collection method: clinical testing. Allele origin: germline.
Comment: This sequence change replaces tryptophan with arginine at codon 150 of the FANCG protein (p.Trp150Arg). The tryptophan residue is highly conserved and there is a moderate physicochemical difference between tryptophan and arginine. This variant is present in population databases (rs202114813, ExAC 0.006%). This variant has not been reported in the literature in individuals affected with FANCG-related conditions. Algorithms developed to predict the effect of missense changes on protein structure and function are either unavailable or do not agree on the potential impact of this missense change (SIFT: "Deleterious"; PolyPhen-2: "Probably Damaging"; Align-GVGD: "Class C0"). In summary, the available evidence is currently insufficient to determine the role of this variant in disease. Therefore, it has been classified as a Variant of Uncertain Significance.

Natera, Inc.
Classification: Uncertain significance for Fanconi anemia group G. Last evaluated: 2020-03-10. Review status: no assertion criteria provided. Collection method: clinical testing. Allele origin: germline. Not counted in ClinVar's aggregate classification.

NM_004629.2(FANCG):c.448T>C (p.Trp150Arg)

Gene: FANCG (FA complementation group G; minus strand). Cytogenetic location: 9p13.3.
Variant type: single nucleotide variant.
Coding change: c.448T>C on transcript NM_004629.2 (MANE Select); coding-DNA position 448, T replaced by C.
Protein change: p.Trp150Arg; replaces tryptophan 150 with arginine.
Molecular consequence: missense variant.
Genome position (GRCh38, 1-based): chr9:35,078,203, A>G on the plus strand (T>C on the coding strand, the complement: FANCG is on the minus strand). VCF-style: chr9-35078203-A-G. GRCh37 (hg19) VCF-style: chr9-35078200-A-G.
Other names: short protein forms W150R.
Identifiers: ClinVar variation 947789 (VCV000947789.4), dbSNP rs202114813, ClinGen allele CA5040045.